The following is an entry in ClinVar:

ClinVar aggregate classification (germline): Conflicting classifications of pathogenicity. Review status: criteria provided, conflicting classifications (1 of 4 stars). 3 submissions from 3 submitters: Uncertain significance (2); Likely benign (1). Last evaluated 2025-07-13.

Conditions:
Intellectual disability-severe speech delay-mild dysmorphism syndrome (IDDLA). Also called: FOXP1 Syndrome; Mental retardation with language impairment and autistic features; Intellectual developmental disorder with language impairment AND with or without autistic features. Identifiers: Orphanet 391372, MedGen C4013764, MONDO:0013352, OMIM 613670.

Allele frequency attached by ClinVar (database versions not stated): gnomAD 0.00001; gnomAD exomes 0.00002; ExAC 0.00003.

Submissions (3):

Labcorp Genetics (formerly Invitae), Labcorp
Classification: Likely benign. Last evaluated: 2025-07-13. Review status: criteria provided, single submitter. Criteria: Invitae Variant Classification Sherloc (09022015). Collection method: clinical testing. Allele origin: germline.

Neuberg Centre For Genomic Medicine, NCGM
Classification: Uncertain significance for Intellectual disability-severe speech delay-mild dysmorphism syndrome. Last evaluated: 2023-06-22. Review status: criteria provided, single submitter. Criteria: ACMG Guidelines, 2015. Collection method: clinical testing. Allele origin: germline. Inheritance: Autosomal dominant inheritance. Affected: yes.
Comment: The observed splice acceptor c.1653-19_1653-2dup variant in FOXP1 gene has not been previously reported as a pathogenic nor as a benign variant, to our knowledge. This variant is reported with the allele frequency of 0.003% in the gnomAD Exomes. This variant has been reported to the ClinVar database as Uncertain Significance. However study on multiple affected individuals and functional studies on the pathogenicity of the variant is unavailable. This variant is predicted to cause loss of normal protein function through protein truncation. It is expected to disrupt RNA splicing. Variants that disrupt the donor or acceptor splice site typically lead to a loss of protein function. For these reasons, this variant has been classified as Uncertain Significance.

Revvity Omics, Revvity
Classification: Uncertain significance for Intellectual disability-severe speech delay-mild dysmorphism syndrome. Last evaluated: 2020-09-11. Review status: criteria provided, single submitter. Criteria: ACMG Guidelines, 2015. Collection method: clinical testing. Allele origin: germline.

NM_001349338.3(FOXP1):c.1653-19_1653-2dup

Gene: FOXP1 (forkhead box P1; minus strand). Cytogenetic location: 3p13.
Variant type: Duplication.
Coding change: c.1653-19_1653-2dup on transcript NM_001349338.3 (MANE Select); 19 bases into the intron before coding-DNA position 1653 through the canonical splice acceptor site of the intron before coding-DNA position 1653, 18 bases duplicated (TTATGTTTTTCTTACACA).
Molecular consequence: splice acceptor variant.
Genome position (GRCh38, 1-based): chr3:70,970,807-70,970,824, TGTGTAAGAAAAACATAA duplicated on the plus strand (TTATGTTTTTCTTACACA on the coding strand, the reverse complement: FOXP1 is on the minus strand). VCF-style (leftmost placement, unchanged base first): chr3-70970806-C-CTGTGTAAGAAAAACATAA. GRCh37 (hg19) VCF-style: chr3-71019957-C-CTGTGTAAGAAAAACATAA.
Other names: c.1701-19_1701-2dup (NM_001244810.2); c.1653-19_1653-2dup (NM_032682.6, NM_001349340.3, NM_001244816.2 and 1 more transcripts); c.1650-19_1650-2dup (NM_001349341.3, NM_001244808.3); c.1425-19_1425-2dup (NM_001244812.3); c.1350-19_1350-2dup (NM_001349343.3, NM_001349337.2, NM_001370548.1 and 1 more transcripts); c.1353-19_1353-2dup (NM_001349342.3, NM_001244815.2, NM_001244813.3).
Identifiers: ClinVar variation 2441547 (VCV002441547.7), dbSNP rs763223371, ClinGen allele CA2490873.